The following is an entry in ClinVar:

ClinVar aggregate classification (germline): Likely benign (1 of 4 stars; one submission).

Submission:

GeneDx
Classification: Likely benign. Last evaluated: 2015-12-14. Review status: criteria provided, single submitter. Criteria: GeneDx Variant Classification (06012015). Collection method: clinical testing. Allele origin: germline. Affected: yes.
Comment: This variant is considered likely benign or benign based on one or more of the following criteria: it is a conservative change, it occurs at a poorly conserved position in the protein, it is predicted to be benign by multiple in silico algorithms, and/or has population frequency not consistent with disease.

NM_001330260.2(SCN8A):c.3024G>A (p.Val1008=)

Gene: SCN8A (sodium voltage-gated channel alpha subunit 8; plus strand). Cytogenetic location: 12q13.13.
Variant type: single nucleotide variant.
Coding change: c.3024G>A on transcript NM_001330260.2 (MANE Select); coding-DNA position 3024, G replaced by A.
Protein change: p.Val1008=; no amino-acid change (valine 1008 retained).
Molecular consequence: synonymous variant.
Genome position (GRCh38, 1-based): chr12:51,768,987, G>A. VCF-style: chr12-51768987-G-A. GRCh37 (hg19) VCF-style: chr12-52162771-G-A.
Other names: c.3024G>A, p.Val1008= (NM_001177984.3, NM_001369788.1, NM_014191.4).
Identifiers: ClinVar variation 382279 (VCV000382279.1), dbSNP rs1057521309, ClinGen allele CA16606570.